The following is an entry in ClinVar:

ClinVar aggregate classification (germline): Uncertain significance (1 of 4 stars; one submission).

Allele frequency attached by ClinVar (database versions not stated): gnomAD 0.00003; gnomAD exomes 0.00001.
gnomAD v4.1: 12 of 1,613,180 alleles (0.00074%); highest among the groups gnomAD compares: South Asian, 0.0044%; no homozygotes.

Submission:

GeneDx
Classification: Uncertain significance. Last evaluated: 2025-09-16. Review status: criteria provided, single submitter. Criteria: GeneDx Variant Classification Process June 2021. Collection method: clinical testing. Allele origin: germline.
Comment: Nonsense variant predicted to result in protein truncation or nonsense mediated decay in a gene or region of a gene for which loss-of-function is not an established mechanism of disease; Has not been previously published as pathogenic or benign to our knowledge

NM_017563.5(IL17RD):c.547C>T (p.Arg183Ter)

Gene: IL17RD (interleukin 17 receptor D; minus strand). Cytogenetic location: 3p14.3.
Variant type: single nucleotide variant.
Coding change: c.547C>T on transcript NM_017563.5 (MANE Select); coding-DNA position 547, C replaced by T.
Protein change: p.Arg183Ter; replaces arginine 183 with a stop codon.
Molecular consequence: nonsense.
Genome position (GRCh38, 1-based): chr3:57,109,540, G>A on the plus strand (C>T on the coding strand, the complement: IL17RD is on the minus strand). VCF-style: chr3-57109540-G-A. GRCh37 (hg19) VCF-style: chr3-57143568-G-A.
Other names: c.547C>T, p.Arg183Ter (NM_001080973.1); c.115C>T, p.Arg39Ter (NM_001318864.2); short protein forms R183*, R39*.
Identifiers: ClinVar variation 1708010 (VCV001708010.3), dbSNP rs1281071889, ClinGen allele CA353320792.